The following is an entry in ClinVar:

ClinVar aggregate classification (germline): Uncertain significance (1 of 4 stars; one submission).

Conditions:
Cardiovascular phenotype. Identifiers: MedGen CN230736.

Submission:

Ambry Genetics
Classification: Uncertain significance for Cardiovascular phenotype. Last evaluated: 2025-06-01. Review status: criteria provided, single submitter. Criteria: Ambry Variant Classification Scheme 2023. Collection method: clinical testing. Allele origin: germline.
Comment: The p.E1441K variant (also known as c.4321G>A), located in coding exon 16 of the AKAP9 gene, results from a G to A substitution at nucleotide position 4321. The glutamic acid at codon 1441 is replaced by lysine, an amino acid with similar properties. This amino acid position is conserved. In addition, this alteration is predicted to be tolerated by in silico analysis. Based on the available evidence, the clinical significance of this variant remains unclear.

NM_005751.5(AKAP9):c.4321G>A (p.Glu1441Lys)

Gene: AKAP9 (A-kinase anchoring protein 9; plus strand). Cytogenetic location: 7q21.2.
Variant type: single nucleotide variant.
Coding change: c.4321G>A on transcript NM_005751.5 (MANE Select); coding-DNA position 4321, G replaced by A.
Protein change: p.Glu1441Lys; replaces glutamic acid 1441 with lysine.
Molecular consequence: missense variant.
Genome position (GRCh38, 1-based): chr7:92,031,587, G>A. VCF-style: chr7-92031587-G-A. GRCh37 (hg19) VCF-style: chr7-91660901-G-A.
Other names: c.4321G>A, p.Glu1441Lys (NM_147185.3); short protein forms E1441K.
Identifiers: ClinVar variation 4034236 (VCV004034236.1).